The following is an entry in ClinVar:

ClinVar aggregate classification (germline): Uncertain significance (1 of 4 stars; one submission).

Conditions:
Severe combined immunodeficiency due to DNA-PKcs deficiency. Also called: Immunodeficiency 26 with or without neurologic abnormalities; IMMUNODEFICIENCY 26 WITH NEUROLOGIC ABNORMALITIES. Identifiers: Orphanet 317425, MedGen C4014833, MONDO:0014423, OMIM 615966.

gnomAD v4.1: 1 of 1,561,774 alleles (0.000064%); highest among the groups gnomAD compares: Admixed American, 0.0019%; no homozygotes.

Submission:

Labcorp Genetics (formerly Invitae), Labcorp
Classification: Uncertain significance for Severe combined immunodeficiency due to DNA-PKcs deficiency. Last evaluated: 2022-07-06. Review status: criteria provided, single submitter. Criteria: Invitae Variant Classification Sherloc (09022015). Collection method: clinical testing. Allele origin: germline.
Comment: ClinVar contains an entry for this variant (Variation ID: 1517445). In summary, the available evidence is currently insufficient to determine the role of this variant in disease. Therefore, it has been classified as a Variant of Uncertain Significance. Experimental studies and prediction algorithms are not available or were not evaluated, and the functional significance of this variant is currently unknown. This variant has not been reported in the literature in individuals affected with PRKDC-related conditions. This variant is not present in population databases (gnomAD no frequency). This sequence change replaces alanine with threonine at codon 2302 of the PRKDC protein (p.Ala2302Thr). The alanine residue is moderately conserved and there is a small physicochemical difference between alanine and threonine.

NM_006904.7(PRKDC):c.6904G>A (p.Ala2302Thr)

Gene: PRKDC (protein kinase, DNA-activated, catalytic subunit; minus strand). Cytogenetic location: 8q11.21.
Variant type: single nucleotide variant.
Coding change: c.6904G>A on transcript NM_006904.7 (MANE Select); coding-DNA position 6904, G replaced by A.
Protein change: p.Ala2302Thr; replaces alanine 2302 with threonine.
Molecular consequence: missense variant.
Genome position (GRCh38, 1-based): chr8:47,852,774, C>T on the plus strand (G>A on the coding strand, the complement: PRKDC is on the minus strand). VCF-style: chr8-47852774-C-T. GRCh37 (hg19) VCF-style: chr8-48765335-C-T.
Other names: c.6904G>A, p.Ala2302Thr (NM_001081640.2); short protein forms A2302T.
Identifiers: ClinVar variation 1517445 (VCV001517445.6), dbSNP rs2154500334, ClinGen allele CA371158309.
Genomic context (GRCh38, chr8:47,852,774, plus strand): 5'-CTTCTGCTGCAGCGGCATACACTTCTTTATATCTTACAAAGGACATATTATTCACCAAAG[C>T]CTGGAAGTATCTACAATAAACACAGAAAAGACATATGCATCAAATAAACCATTCTGTTGT-3'
Protein context (NP_008835.5, residues 2292-2312): CGIQSSEYFQ[Ala2302Thr]LVNNMSFVRY